The following is an entry in ClinVar:

ClinVar aggregate classification (germline): Conflicting classifications of pathogenicity. Review status: criteria provided, conflicting classifications (1 of 4 stars). 3 submissions from 3 submitters: Uncertain significance (2); Benign (1). Last evaluated 2025-10-08.

Conditions:
Hereditary cancer-predisposing syndrome. Also called: Hereditary Cancer Syndrome; Neoplastic Syndromes, Hereditary; Hereditary neoplastic syndrome; Tumor predisposition. Identifiers: Orphanet 140162, MedGen C0027672, MeSH D009386, MONDO:0015356.
Fanconi anemia complementation group O. Also called: RAD51C-Related Fanconi Anemia. Identifiers: Orphanet 84, MedGen C3150653, MONDO:0013248, OMIM 613390.

Allele frequency attached by ClinVar (database versions not stated): gnomAD 0.00003.
gnomAD v4.1: 1 of 1,614,046 alleles (0.000062%); highest among the groups gnomAD compares: African/African-American, 0.0013%; no homozygotes.

Submissions (3):

Ambry Genetics
Classification: Benign for Hereditary cancer-predisposing syndrome. Last evaluated: 2025-10-08. Review status: criteria provided, single submitter. Criteria: Ambry Variant Classification Scheme 2023. Collection method: clinical testing. Allele origin: germline.

Labcorp Genetics (formerly Invitae), Labcorp
Classification: Uncertain significance for Fanconi anemia complementation group O. Last evaluated: 2024-11-03. Review status: criteria provided, single submitter. Criteria: Invitae Variant Classification Sherloc (09022015). Collection method: clinical testing. Allele origin: germline.
Comment: This sequence change replaces isoleucine, which is neutral and non-polar, with methionine, which is neutral and non-polar, at codon 63 of the RAD51C protein (p.Ile63Met). This variant is present in population databases (no rsID available, gnomAD 0.01%). This variant has not been reported in the literature in individuals affected with RAD51C-related conditions. ClinVar contains an entry for this variant (Variation ID: 820298). Invitae Evidence Modeling of protein sequence and biophysical properties (such as structural, functional, and spatial information, amino acid conservation, physicochemical variation, residue mobility, and thermodynamic stability) indicates that this missense variant is not expected to disrupt RAD51C protein function with a negative predictive value of 80%. In summary, the available evidence is currently insufficient to determine the role of this variant in disease. Therefore, it has been classified as a Variant of Uncertain Significance.

Color Diagnostics, LLC DBA Color Health
Classification: Uncertain significance for Hereditary cancer-predisposing syndrome. Last evaluated: 2024-03-07. Review status: criteria provided, single submitter. Criteria: ACMG Guidelines, 2015. Collection method: clinical testing. Allele origin: germline.
Comment: This missense variant replaces isoleucine with methionine at codon 63 of the RAD51C protein. Computational prediction tool suggests that this variant may not impact protein structure and function (internally defined REVEL score threshold <=0.5, PMID: 27666373). Splice site prediction tools suggest that this variant may not impact RNA splicing. To our knowledge, functional studies have not been performed for this variant. This variant has not been reported in individuals affected with hereditary cancer in the literature. This variant has been identified in 1/31404 chromosomes in the general population by the Genome Aggregation Database (gnomAD). The available evidence is insufficient to determine the role of this variant in disease conclusively. Therefore, this variant is classified as a Variant of Uncertain Significance.

NM_058216.3(RAD51C):c.189T>G (p.Ile63Met)

Gene: RAD51C (RAD51 paralog C; plus strand). Cytogenetic location: 17q22.
Variant type: single nucleotide variant.
Coding change: c.189T>G on transcript NM_058216.3 (MANE Select); coding-DNA position 189, T replaced by G.
Protein change: p.Ile63Met; replaces isoleucine 63 with methionine.
Molecular consequence: missense variant. On other transcripts: non-coding transcript variant (2).
Genome position (GRCh38, 1-based): chr17:58,694,974, T>G. VCF-style: chr17-58694974-T-G. GRCh37 (hg19) VCF-style: chr17-56772335-T-G.
Other names: c.189T>G, p.Ile63Met (NM_002876.4); short protein forms I63M.
Identifiers: ClinVar variation 820298 (VCV000820298.18), dbSNP rs730881923, ClinGen allele CA400339871.
Genomic context (GRCh38, chr17:58,694,974, plus strand): 5'-TCTTATTTTACTTTCAGAAGTTGGGATATCTAAAGCAGAAGCCTTAGAAACTCTGCAAAT[T>G]ATCAGAAGAGAATGTCTCACAAATAAACCAAGATATGCTGGTACATCTGAGTCACACAAG-3'
Protein context (NP_478123.1, residues 53-73): SKAEALETLQ[Ile63Met]IRRECLTNKP